The following is an entry in ClinVar:

ClinVar aggregate classification (germline): Likely pathogenic (1 of 4 stars; one submission).

Submission:

Labcorp Genetics (formerly Invitae), Labcorp
Classification: Likely pathogenic. Last evaluated: 2024-02-24. Review status: criteria provided, single submitter. Criteria: Invitae Variant Classification Sherloc (09022015). Collection method: clinical testing. Allele origin: germline.
Comment: This sequence change affects a donor splice site in intron 37 of the NBAS gene. It is expected to disrupt RNA splicing. Variants that disrupt the donor or acceptor splice site typically lead to a loss of protein function (PMID: 16199547), and loss-of-function variants in NBAS are known to be pathogenic (PMID: 26073778, 26541327, 27789416, 28031453). This variant is not present in population databases (gnomAD no frequency). This variant has not been reported in the literature in individuals affected with NBAS-related conditions. ClinVar contains an entry for this variant (Variation ID: 2105189). Algorithms developed to predict the effect of sequence changes on RNA splicing suggest that this variant may disrupt the consensus splice site. In summary, the currently available evidence indicates that the variant is pathogenic, but additional data are needed to prove that conclusively. Therefore, this variant has been classified as Likely Pathogenic.

Literature cited by the submitters: PubMed 16199547; PubMed 26073778; PubMed 26541327; PubMed 27789416; PubMed 28031453.

NM_015909.4(NBAS):c.4461+2T>A

Gene: NBAS (NBAS subunit of NRZ tethering complex; minus strand). Cytogenetic location: 2p24.3.
Variant type: single nucleotide variant.
Coding change: c.4461+2T>A on transcript NM_015909.4 (MANE Select); the canonical splice donor site of the intron after coding-DNA position 4461, T replaced by A.
Molecular consequence: splice donor variant.
Genome position (GRCh38, 1-based): chr2:15,328,197, A>T on the plus strand (T>A on the coding strand, the complement: NBAS is on the minus strand). VCF-style: chr2-15328197-A-T. GRCh37 (hg19) VCF-style: chr2-15468321-A-T.
Identifiers: ClinVar variation 2105189 (VCV002105189.4), dbSNP rs199627281, ClinGen allele CA345895673.